The following is an entry in ClinVar:

ClinVar aggregate classification (germline): Uncertain significance (1 of 4 stars; one submission).

Allele frequency attached by ClinVar (database versions not stated): ExAC below 0.00001.
gnomAD v4.1: 1 of 1,369,926 alleles (0.000073%); highest among the groups gnomAD compares: Non-Finnish European, 0.000093%; no homozygotes.

Submission:

GeneDx
Classification: Uncertain significance. Last evaluated: 2017-02-06. Review status: criteria provided, single submitter. Criteria: GeneDx Variant Classification (06012015). Collection method: clinical testing. Allele origin: germline. Affected: yes.
Comment: The R473L variant in the MAGEL2 gene has not been reported previously as a pathogenic variant,nor as a benign variant, to our knowledge. The R473L variant is not observed in large populationcohorts; however, limited data are available (Lek et al., 2016; 1000 Genomes Consortium et al., 2015;Exome Variant Server). The R473L variant is a non-conservative amino acid substitution, which islikely to impact secondary protein structure as these residues differ in polarity, charge, size and/orother properties. This substitution occurs at a position where amino acids with similar properties toArginine are tolerated across species. In silico analysis predicts this variant likely does not alter theprotein structure/function. We interpret R473L as a variant of uncertain significance.

NM_019066.5(MAGEL2):c.1418G>T (p.Arg473Leu)

Gene: MAGEL2 (MAGE family member L2; minus strand). Cytogenetic location: 15q11.2.
Variant type: single nucleotide variant.
Coding change: c.1418G>T on transcript NM_019066.5 (MANE Select); coding-DNA position 1418, G replaced by T.
Protein change: p.Arg473Leu; replaces arginine 473 with leucine.
Molecular consequence: missense variant.
Genome position (GRCh38, 1-based): chr15:23,646,325, C>A on the plus strand (G>T on the coding strand, the complement: MAGEL2 is on the minus strand). VCF-style: chr15-23646325-C-A. GRCh37 (hg19) VCF-style: chr15-23891472-C-A.
Other names: short protein forms R473L.
Identifiers: ClinVar variation 423270 (VCV000423270.2), dbSNP rs770170386, ClinGen allele CA7430040.